The following is an entry in ClinVar:

NM_015466.4(PTPN23):c.2167C>G (p.Pro723Ala)

Gene: PTPN23 (protein tyrosine phosphatase non-receptor type 23; plus strand). Cytogenetic location: 3p21.31.
Variant type: single nucleotide variant.
Coding change: c.2167C>G on transcript NM_015466.4 (MANE Select); coding-DNA position 2167, C replaced by G.
Protein change: p.Pro723Ala; replaces proline 723 with alanine.
Molecular consequence: missense variant.
Genome position (GRCh38, 1-based): chr3:47,409,965, C>G. VCF-style: chr3-47409965-C-G. GRCh37 (hg19) VCF-style: chr3-47451455-C-G.
Other names: c.1789C>G, p.Pro597Ala (NM_001304482.2); c.2167C>G (NM_015466.2); short protein forms P597A, P723A.
Identifiers: ClinVar variation 1429147 (VCV001429147.9), dbSNP rs200116483, ClinGen allele CA2365962.

ClinVar aggregate classification (germline): Uncertain significance. Review status: criteria provided, multiple submitters, no conflicts (2 of 4 stars). 2 submissions from 2 submitters: Uncertain significance (2). Last evaluated 2024-11-07.

Conditions:
Inborn genetic diseases. Identifiers: MedGen C0950123, MeSH D030342.

gnomAD v4.1: 127 of 1,579,440 alleles (0.008%); highest among the groups gnomAD compares: Non-Finnish European, 0.01%; no homozygotes.

Submissions (2):

Ambry Genetics
Classification: Uncertain significance for Inborn genetic diseases. Last evaluated: 2024-11-07. Review status: criteria provided, single submitter. Criteria: Ambry Variant Classification Scheme 2023. Collection method: clinical testing. Allele origin: germline.

Labcorp Genetics (formerly Invitae), Labcorp
Classification: Uncertain significance. Last evaluated: 2022-08-21. Review status: criteria provided, single submitter. Criteria: Invitae Variant Classification Sherloc (09022015). Collection method: clinical testing. Allele origin: germline.
Comment: This sequence change replaces proline, which is neutral and non-polar, with alanine, which is neutral and non-polar, at codon 723 of the PTPN23 protein (p.Pro723Ala). This variant is present in population databases (rs200116483, gnomAD 0.01%). This variant has not been reported in the literature in individuals affected with PTPN23-related conditions. ClinVar contains an entry for this variant (Variation ID: 1429147). Algorithms developed to predict the effect of missense changes on protein structure and function are either unavailable or do not agree on the potential impact of this missense change (SIFT: "Tolerated"; PolyPhen-2: "Not Available"; Align-GVGD: "Class C0"). In summary, the available evidence is currently insufficient to determine the role of this variant in disease. Therefore, it has been classified as a Variant of Uncertain Significance.